The following is an entry in ClinVar:

ClinVar aggregate classification (germline): Pathogenic (1 of 4 stars; one submission).

Submission:

Labcorp Genetics (formerly Invitae), Labcorp
Classification: Pathogenic. Last evaluated: 2022-07-03. Review status: criteria provided, single submitter. Criteria: Invitae Variant Classification Sherloc (09022015). Collection method: clinical testing. Allele origin: germline.
Comment: This sequence change creates a premature translational stop signal (p.Ser1382Hisfs*41) in the COL2A1 gene. It is expected to result in an absent or disrupted protein product. Loss-of-function variants in COL2A1 are known to be pathogenic (PMID: 20179744). This variant is not present in population databases (gnomAD no frequency). This variant has not been reported in the literature in individuals affected with COL2A1-related conditions. For these reasons, this variant has been classified as Pathogenic.

Literature cited by the submitters: PubMed 20179744.

NM_001844.5(COL2A1):c.4142_4143insCCACGGACGTAGA (p.Ser1382fs)

Gene: COL2A1 (collagen type II alpha 1 chain; minus strand). Cytogenetic location: 12q13.11.
Variant type: Insertion.
Coding change: c.4142_4143insCCACGGACGTAGA on transcript NM_001844.5 (MANE Select); coding-DNA positions 4142 to 4143, CCACGGACGTAGA inserted.
Protein change: p.Ser1382fs; shifts the reading frame from serine 1382.
Molecular consequence: frameshift variant.
Genome position: GRCh38 VCF-style: chr12-47974263-C-CTCTACGTCCGTGG. GRCh37 (hg19) VCF-style: chr12-48368046-C-CTCTACGTCCGTGG.
Other names: c.3935_3936insCCACGGACGTAGA, p.Ser1313fs (NM_033150.3); short protein forms S1313fs, S1382fs.
Identifiers: ClinVar variation 2010167 (VCV002010167.4), dbSNP rs2540095140, ClinGen allele CA2580085611.